The following is an entry in ClinVar:

NM_004183.4(BEST1):c.1211C>T (p.Pro404Leu)

Gene: BEST1 (bestrophin 1; plus strand). Cytogenetic location: 11q12.3.
Variant type: single nucleotide variant.
Coding change: c.1211C>T on transcript NM_004183.4 (MANE Select); coding-DNA position 1211, C replaced by T.
Protein change: p.Pro404Leu; replaces proline 404 with leucine.
Molecular consequence: missense variant. On other transcripts: non-coding transcript variant (1).
Genome position (GRCh38, 1-based): chr11:61,962,365, C>T. VCF-style: chr11-61962365-C-T. GRCh37 (hg19) VCF-style: chr11-61729837-C-T.
Other names: c.1031C>T, p.Pro344Leu (NM_001139443.3, NM_001300787.2); c.950C>T, p.Pro317Leu (NM_001300786.2); c.893C>T, p.Pro298Leu (NM_001363591.3); c.*106C>T (NM_001363592.2); c.239C>T, p.Pro80Leu (NM_001363593.3); short protein forms P317L, P404L, P80L, P344L, P298L.
Identifiers: ClinVar variation 1927765 (VCV001927765.6), dbSNP rs761325462, ClinGen allele CA6041021.

ClinVar aggregate classification (germline): Uncertain significance. Review status: criteria provided, multiple submitters, no conflicts (2 of 4 stars). 2 submissions from 2 submitters: Uncertain significance (2). Last evaluated 2025-10-25.

Allele frequency attached by ClinVar (database versions not stated): gnomAD 0.00001; gnomAD exomes 0.00003; TOPMed 0.00003; ExAC 0.00010.
gnomAD v4.1: 39 of 1,614,038 alleles (0.0024%); highest among the groups gnomAD compares: Non-Finnish European, 0.0031%; no homozygotes.

Submissions (2):

Labcorp Genetics (formerly Invitae), Labcorp
Classification: Uncertain significance. Last evaluated: 2025-10-25. Review status: criteria provided, single submitter. Criteria: Invitae Variant Classification Sherloc (09022015). Collection method: clinical testing. Allele origin: germline.
Comment: This sequence change replaces proline, which is neutral and non-polar, with leucine, which is neutral and non-polar, at codon 404 of the BEST1 protein (p.Pro404Leu). This variant is present in population databases (rs761325462, gnomAD 0.01%). This variant has not been reported in the literature in individuals affected with BEST1-related conditions. ClinVar contains an entry for this variant (Variation ID: 1927765). Invitae Evidence Modeling of protein sequence and biophysical properties (such as structural, functional, and spatial information, amino acid conservation, physicochemical variation, residue mobility, and thermodynamic stability) has been performed for this missense variant. However, the output from this modeling did not meet the statistical confidence thresholds required to predict the impact of this variant on BEST1 protein function. In summary, the available evidence is currently insufficient to determine the role of this variant in disease. Therefore, it has been classified as a Variant of Uncertain Significance.

Blueprint Genetics
Classification: Uncertain significance. Last evaluated: 2023-05-22. Review status: criteria provided, single submitter. Criteria: ACMG Guidelines, 2015. Collection method: clinical testing. Allele origin: germline.